The following is an entry in ClinVar:

ClinVar aggregate classification (germline): Uncertain significance (1 of 4 stars; one submission).

Conditions:
Cardiovascular phenotype. Identifiers: MedGen CN230736.
Hereditary cancer-predisposing syndrome. Also called: Tumor predisposition; Neoplastic Syndromes, Hereditary; Hereditary Cancer Syndrome; Hereditary neoplastic syndrome. Identifiers: Orphanet 140162, MedGen C0027672, MeSH D009386, MONDO:0015356.

Submission:

Ambry Genetics
Classification: Uncertain significance for Cardiovascular phenotype; Hereditary cancer-predisposing syndrome. Last evaluated: 2025-01-09. Review status: criteria provided, single submitter. Criteria: Ambry Variant Classification Scheme 2023. Collection method: clinical testing. Allele origin: germline.
Comment: The p.N1450K variant (also known as c.4350C>G), located in coding exon 32 of the NF1 gene, results from a C to G substitution at nucleotide position 4350. The asparagine at codon 1450 is replaced by lysine, an amino acid with similar properties. This amino acid position is highly conserved in available vertebrate species. In addition, the in silico prediction for this alteration is inconclusive. Based on the available evidence, the clinical significance of this variant remains unclear.

NM_001042492.3(NF1):c.4413C>G (p.Asn1471Lys)

Gene: NF1 (neurofibromin 1; plus strand). Cytogenetic location: 17q11.2.
Variant type: single nucleotide variant.
Coding change: c.4413C>G on transcript NM_001042492.3 (MANE Select); coding-DNA position 4413, C replaced by G.
Protein change: p.Asn1471Lys; replaces asparagine 1471 with lysine.
Molecular consequence: missense variant.
Genome position (GRCh38, 1-based): chr17:31,259,112, C>G. VCF-style: chr17-31259112-C-G. GRCh37 (hg19) VCF-style: chr17-29586130-C-G.
Other names: c.4350C>G, p.Asn1450Lys (NM_000267.4); short protein forms N1450K, N1471K.
Identifiers: ClinVar variation 3879001 (VCV003879001.1).